The following is an entry in ClinVar:

NM_000301.5(PLG):c.341C>T (p.Thr114Met)

Gene: PLG (plasminogen; plus strand). Cytogenetic location: 6q26.
Variant type: single nucleotide variant.
Coding change: c.341C>T on transcript NM_000301.5 (MANE Select); coding-DNA position 341, C replaced by T.
Protein change: p.Thr114Met; replaces threonine 114 with methionine.
Molecular consequence: missense variant.
Genome position (GRCh38, 1-based): chr6:160,711,125, C>T. VCF-style: chr6-160711125-C-T. GRCh37 (hg19) VCF-style: chr6-161132157-C-T.
Other names: c.341C>T, p.Thr114Met (NM_001168338.1); short protein forms T114M.
Identifiers: ClinVar variation 2726201 (VCV002726201.4), dbSNP rs139357983, ClinGen allele CA4087404.

ClinVar aggregate classification (germline): Uncertain significance. Review status: criteria provided, multiple submitters, no conflicts (2 of 4 stars). 2 submissions from 2 submitters: Uncertain significance (2). Last evaluated 2026-06-17.

Allele frequency attached by ClinVar (database versions not stated): gnomAD 0.00007; ExAC 0.00008; gnomAD exomes 0.00004; TOPMed 0.00012; ESP Exome Variant Server 0.00031.
gnomAD v4.1: 73 of 1,609,598 alleles (0.0045%); highest among the groups gnomAD compares: East Asian, 0.029%; no homozygotes.

Submissions (2):

Women's Health and Genetics/Laboratory Corporation of America, LabCorp
Classification: Uncertain significance. Last evaluated: 2026-06-17. Review status: criteria provided, single submitter. Criteria: LabCorp Variant Classification Summary - May 2015. Collection method: clinical testing. Allele origin: germline.
Comment: Variant summary: PLG c.341C>T (p.Thr114Met) results in a non-conservative amino acid change in the encoded protein sequence. Algorithms developed to predict the effect of missense changes on protein structure and function are either unavailable or do not agree on the potential impact of this missense change. The variant allele was found at a frequency of 7.2e-05 in 251136 control chromosomes. This frequency is not significantly higher than estimated for disease-causing variants in PLG, allowing no conclusion about variant significance. To our knowledge, no occurrence of c.341C>T in individuals affected with PLG-related conditions and no experimental evidence demonstrating its impact on protein function have been reported. ClinVar contains an entry for this variant (Variation ID: 2726201). Based on the evidence outlined above, the variant was classified as uncertain significance.

Labcorp Genetics (formerly Invitae), Labcorp
Classification: Uncertain significance. Last evaluated: 2025-09-28. Review status: criteria provided, single submitter. Criteria: Invitae Variant Classification Sherloc (09022015). Collection method: clinical testing. Allele origin: germline.
Comment: This sequence change replaces threonine, which is neutral and polar, with methionine, which is neutral and non-polar, at codon 114 of the PLG protein (p.Thr114Met). This variant is present in population databases (rs139357983, gnomAD 0.04%). This variant has not been reported in the literature in individuals affected with PLG-related conditions. ClinVar contains an entry for this variant (Variation ID: 2726201). An algorithm developed to predict the effect of missense changes on protein structure and function (PolyPhen-2) suggests that this variant is likely to be tolerated. In summary, the available evidence is currently insufficient to determine the role of this variant in disease. Therefore, it has been classified as a Variant of Uncertain Significance.